The following is an entry in ClinVar:

NM_053025.4(MYLK):c.3091C>T (p.Pro1031Ser)

Gene: MYLK (myosin light chain kinase; minus strand). Cytogenetic location: 3q21.1.
Variant type: single nucleotide variant.
Coding change: c.3091C>T on transcript NM_053025.4 (MANE Select); coding-DNA position 3091, C replaced by T.
Protein change: p.Pro1031Ser; replaces proline 1031 with serine.
Molecular consequence: missense variant.
Genome position (GRCh38, 1-based): chr3:123,700,377, G>A on the plus strand (C>T on the coding strand, the complement: MYLK is on the minus strand). VCF-style: chr3-123700377-G-A. GRCh37 (hg19) VCF-style: chr3-123419224-G-A.
Other names: c.2563C>T, p.Pro855Ser (NM_001321309.2); c.2884C>T, p.Pro962Ser (NM_053026.4, NM_053028.4); c.3091C>T, p.Pro1031Ser (NM_053027.4); short protein forms P1031S, P855S, P962S.
Identifiers: ClinVar variation 1727471 (VCV001727471.2), dbSNP rs2474172907, ClinGen allele CA354230080.

ClinVar aggregate classification (germline): Uncertain significance (1 of 4 stars; one submission).

Conditions:
Familial thoracic aortic aneurysm and aortic dissection (TAAD). Also called: Thoracic aortic aneurysms and dissections. Identifiers: Orphanet 91387, MedGen C4707243, MONDO:0019625.

gnomAD v4.1: 1 of 1,613,808 alleles (0.000062%); highest among the groups gnomAD compares: South Asian, 0.0011%; no homozygotes.

Submission:

Ambry Genetics
Classification: Uncertain significance for Familial thoracic aortic aneurysm and aortic dissection. Last evaluated: 2018-02-26. Review status: criteria provided, single submitter. Criteria: Ambry Variant Classification Scheme 2023. Collection method: clinical testing. Allele origin: germline.
Comment: The p.P1031S variant (also known as c.3091C>T), located in coding exon 15 of the MYLK gene, results from a C to T substitution at nucleotide position 3091. The proline at codon 1031 is replaced by serine, an amino acid with similar properties. This amino acid position is not well conserved in available vertebrate species, and serine is the reference amino acid in other vertebrate species. In addition, this alteration is predicted to be tolerated by in silico analysis. Since supporting evidence is limited at this time, the clinical significance of this alteration remains unclear.